The following is an entry in ClinVar:

NM_024731.4(KLHL36):c.657G>A (p.Thr219=)

Gene: KLHL36 (kelch like family member 36; plus strand). Cytogenetic location: 16q24.1.
Variant type: single nucleotide variant.
Coding change: c.657G>A on transcript NM_024731.4 (MANE Select); coding-DNA position 657, G replaced by A.
Protein change: p.Thr219=; no amino-acid change (threonine 219 retained).
Molecular consequence: synonymous variant.
Genome position (GRCh38, 1-based): chr16:84,657,464, G>A. VCF-style: chr16-84657464-G-A. GRCh37 (hg19) VCF-style: chr16-84691070-G-A.
Other names: c.657G>A, p.Thr219= (NM_001303451.2).
Identifiers: ClinVar variation 2646928 (VCV002646928.24), dbSNP rs767689406, ClinGen allele CA8210014.

ClinVar aggregate classification (germline): Likely benign (1 of 4 stars; one submission).

Allele frequency attached by ClinVar (database versions not stated): TOPMed below 0.00001; gnomAD 0.00001; ExAC 0.00005.
gnomAD v4.1: 39 of 1,606,428 alleles (0.0024%); highest among the groups gnomAD compares: South Asian, 0.0066%; no homozygotes.

Submission:

CeGaT Center for Human Genetics Tuebingen
Classification: Likely benign. Last evaluated: 2022-03-01. Review status: criteria provided, single submitter. Criteria: CeGaT Center For Human Genetics Tuebingen Variant Classification Criteria Version 2. Collection method: clinical testing. Allele origin: germline. Affected: yes. Observed: 1 variant allele.
Comment: KLHL36: BP4, BP7